The following is an entry in ClinVar:

NM_001009944.3(PKD1):c.12070C>T (p.Pro4024Ser)

Gene: PKD1 (polycystin 1, transient receptor potential channel interacting; minus strand). Cytogenetic location: 16p13.3.
Variant type: single nucleotide variant.
Coding change: c.12070C>T on transcript NM_001009944.3 (MANE Select); coding-DNA position 12070, C replaced by T.
Protein change: p.Pro4024Ser; replaces proline 4024 with serine.
Molecular consequence: missense variant.
Genome position (GRCh38, 1-based): chr16:2,090,742, G>A on the plus strand (C>T on the coding strand, the complement: PKD1 is on the minus strand). VCF-style: chr16-2090742-G-A. GRCh37 (hg19) VCF-style: chr16-2140743-G-A.
Other names: c.12067C>T, p.Pro4023Ser (NM_000296.4); short protein forms P4023S, P4024S.
Identifiers: ClinVar variation 811471 (VCV000811471.11), dbSNP rs771494407, ClinGen allele CA394327142.

ClinVar aggregate classification (germline): Uncertain significance. Review status: criteria provided, multiple submitters, no conflicts (2 of 4 stars). 3 submissions from 3 submitters: Uncertain significance (3). Last evaluated 2026-04-24.

Conditions:
Polycystic kidney disease, adult type (PKD1). Also called: Polycystic Kidney Disease 1, Autosomal Dominant; Polycystic kidney disease 1; Polycystic kidney disease 1, severe; Polycystic Kidney, Autosomal Dominant; POLYCYSTIC KIDNEY DISEASE 1 WITH OR WITHOUT POLYCYSTIC LIVER DISEASE; POLYCYSTIC KIDNEY DISEASE, ADULT, TYPE I. Identifiers: MedGen C3149841, MONDO:0008263, OMIM 173900.

Allele frequency attached by ClinVar (database versions not stated): TOPMed 0.00002.
gnomAD v4.1: 8 of 1,612,462 alleles (0.0005%); highest among the groups gnomAD compares: Admixed American, 0.0017%; no homozygotes.

Submissions (3):

Women's Health and Genetics/Laboratory Corporation of America, LabCorp
Classification: Uncertain significance. Last evaluated: 2026-04-24. Review status: criteria provided, single submitter. Criteria: LabCorp Variant Classification Summary - May 2015. Collection method: clinical testing. Allele origin: germline.
Comment: Variant summary: PKD1 c.12070C>T (p.Pro4024Ser) results in a non-conservative amino acid change in the encoded protein sequence. Algorithms developed to predict the effect of missense changes on protein structure and function are either unavailable or do not agree on the potential impact of this missense change. The variant allele was found at a frequency of 8.1e-06 in 246798 control chromosomes. The available data on variant occurrences in the general population are insufficient to allow any conclusion about variant significance. To our knowledge, no occurrence of c.12070C>T in individuals affected with PKD1-related conditions and no experimental evidence demonstrating its impact on protein function have been reported. ClinVar contains an entry for this variant (Variation ID: 811471). Based on the evidence outlined above, the variant was classified as uncertain significance.

Victorian Clinical Genetics Services, Murdoch Childrens Research Institute
Classification: Uncertain significance for Polycystic kidney disease, adult type. Last evaluated: 2025-02-26. Review status: criteria provided, single submitter. Criteria: ACMG Guidelines, 2015. Collection method: clinical testing. Allele origin: germline. Affected: yes.
Comment: This variant is classified as VUS-3C. Evidence in support of pathogenic classification: Variant is present in gnomAD <0.001 for a dominant condition (v4: 8 heterozygote(s), 0 homozygote(s)). Additional information: Variant is predicted to result in a missense amino acid change from proline to serine; This variant is heterozygous; This gene is associated with autosomal dominant disease. Polycystic kidney disease 1 (MIM#173900) is predominantly caused by monoallelic variants, with rare reports of biallelic variants causing disease (OMIM); Alternative amino acid change(s) at the same position are present in gnomAD (highest allele count: v4: 11 heterozygote(s), 0 homozygote(s)); Previous evidence of pathogenicity for this variant is inconclusive. This variant has been classified as a VUS by a clinical laboratory in ClinVar; No published segregation evidence has been identified for this variant; No published functional evidence has been identified for this variant; No comparable missense variants have previous evidence for pathogenicity; Variant is located in the annotated polycystin cation channel (DECIPHER); Missense variant with inconclusive in silico prediction and uninformative conservation; Loss of function is a known mechanism of disease in this gene and is associated with polycystic kidney disease 1 (MIM#173900); Inheritance information for this variant is not currently available in this individual.

ARUP Laboratories, Molecular Genetics and Genomics, ARUP Laboratories
Classification: Uncertain significance for Polycystic kidney disease, adult type. Last evaluated: 2019-06-07. Review status: criteria provided, single submitter. Criteria: ARUP Molecular Germline Variant Investigation Process. Collection method: clinical testing. Allele origin: germline.
Comment: The PKD1 c.12070C>T; p.Pro4024Ser variant (rs771494407), to our knowledge, is not reported in the medical literature or gene-specific databases. This variant is found on two chromosomes (2/246798 alleles) in the Genome Aggregation Database, indicating it is not a common polymorphism. The proline at codon 4024 is moderately conserved, and computational analyses (SIFT: tolerated, PolyPhen-2: damaging) predict conflicting effects of this variant on protein structure/function. Due to limited information, the clinical significance of the p.Pro4024Ser variant is uncertain at this time.